The following is an entry in ClinVar:

NM_005357.4(LIPE):c.3128G>A (p.Cys1043Tyr)

Genes: LIPE (lipase E, hormone sensitive type; minus strand), LIPE-AS1 (LIPE antisense RNA 1; plus strand), LOC101930071 (uncharacterized LOC101930071; plus strand). Cytogenetic location: 19q13.2.
Variant type: single nucleotide variant.
Coding change: c.3128G>A on transcript NM_005357.4 (MANE Select); coding-DNA position 3128, G replaced by A.
Protein change: p.Cys1043Tyr; replaces cysteine 1043 with tyrosine.
Molecular consequence: missense variant.
Genome position (GRCh38, 1-based): chr19:42,401,915, C>T on the plus strand (G>A on the coding strand, the complement: LIPE is on the minus strand). VCF-style: chr19-42401915-C-T. GRCh37 (hg19) VCF-style: chr19-42906067-C-T.
Other names: c.2378G>A, p.Cys793Tyr (NM_001416100.1); c.2363G>A, p.Cys788Tyr (NM_001416101.1); c.2258G>A, p.Cys753Tyr (NM_001416102.1); c.2225G>A, p.Cys742Tyr (NM_001416103.1, NM_001416104.1); c.2135G>A, p.Cys712Tyr (NM_001416105.1); c.2030G>A, p.Cys677Tyr (NM_001416106.1); c.1541G>A, p.Cys514Tyr (NM_001416107.1); c.1487G>A, p.Cys496Tyr (NM_001416108.1); short protein forms C1043Y, C496Y, C514Y, C677Y, C712Y, C742Y, C753Y, C788Y.
Identifiers: ClinVar variation 4084501 (VCV004084501.8).

ClinVar aggregate classification (germline): Uncertain significance (1 of 4 stars; one submission).

gnomAD v4.1: 1 of 1,553,568 alleles (0.000064%); highest among the groups gnomAD compares: Non-Finnish European, 0.000087%; no homozygotes.

Submission:

CeGaT Center for Human Genetics Tuebingen
Classification: Uncertain significance. Last evaluated: 2025-06-01. Review status: criteria provided, single submitter. Criteria: CeGaT Center For Human Genetics Tuebingen Variant Classification Criteria Version 2. Collection method: clinical testing. Allele origin: germline. Affected: yes. Observed: 1 variant allele.
Comment: LIPE: PM2